The following is an entry in ClinVar:

ClinVar aggregate classification (germline): Likely pathogenic (1 of 4 stars; one submission).

Conditions:
Spondyloepiphyseal dysplasia with congenital joint dislocations (SEDCJD). Also called: Chondrodysplasia with Congenital Joint Dislocations, CHST3-Related. Identifiers: Orphanet 263463, MedGen C1837657, MONDO:0007738, OMIM 143095.

Allele frequency attached by ClinVar (database versions not stated): gnomAD exomes below 0.00001.
gnomAD v4.1: 3 of 1,603,124 alleles (0.00019%); highest among the groups gnomAD compares: Non-Finnish European, 0.00025%; no homozygotes.

Submission:

Victorian Clinical Genetics Services, Murdoch Childrens Research Institute
Classification: Likely pathogenic for Spondyloepiphyseal dysplasia with congenital joint dislocations. Last evaluated: 2022-02-02. Review status: criteria provided, single submitter. Criteria: ACMG Guidelines, 2015. Collection method: clinical testing. Allele origin: germline. Inheritance: Autosomal recessive inheritance. Affected: yes.
Comment: Based on the classification scheme VCGS_Germline_v1.3.4, this variant is classified as Likely Pathogenic. Following criteria are met: 0102 - Loss of function is a known mechanism of disease in this gene and is associated with spondyloepiphyseal dysplasia with congenital joint dislocations (MIM#143095). (I) 0106 - This gene is associated with autosomal recessive disease. (I) 0200 - Variant is predicted to result in a missense amino acid change from arginine to cysteine. (I) 0252 - This variant is homozygous. (I) 0304 - Variant is present in gnomAD <0.01 for a recessive condition (v2: 1 heterozygote, 0 homozygotes). (SP) 0501 - Missense variant consistently predicted to be damaging by multiple in silico tools or highly conserved with a major amino acid change. (SP) 0600 - Variant is located in the annotated sulfotransferase domain (DECIPHER). (I) 0704 - Another missense variant comparable to the one identified in this case has limited previous evidence for pathogenicity. p.(Arg142Leu) was identified in a patient with spondyloepiphyseal dysplasia (PMID: 20830804). (SP) 0807 - This variant has no previous evidence of pathogenicity. (I) 0905 - No published segregation evidence has been identified for this variant. (I) 1007 - No published functional evidence has been identified for this variant. (I) Legend: (SP) - Supporting pathogenic, (I) - Information, (SB) - Supporting benign

Literature cited by the submitters: PubMed 20830804.

NM_004273.5(CHST3):c.424C>T (p.Arg142Cys)

Gene: CHST3 (carbohydrate sulfotransferase 3; plus strand). Cytogenetic location: 10q22.1.
Variant type: single nucleotide variant.
Coding change: c.424C>T on transcript NM_004273.5 (MANE Select); coding-DNA position 424, C replaced by T.
Protein change: p.Arg142Cys; replaces arginine 142 with cysteine.
Molecular consequence: missense variant.
Genome position (GRCh38, 1-based): chr10:72,007,455, C>T. VCF-style: chr10-72007455-C-T. GRCh37 (hg19) VCF-style: chr10-73767213-C-T.
Other names: short protein forms R142C.
Identifiers: ClinVar variation 1698949 (VCV001698949.3), dbSNP rs1378815381, ClinGen allele CA377143747.